The following is an entry in ClinVar:

NM_025179.4(PLXNA2):c.4681G>A (p.Ala1561Thr)

Gene: PLXNA2 (plexin A2; minus strand). Cytogenetic location: 1q32.2.
Variant type: single nucleotide variant.
Coding change: c.4681G>A on transcript NM_025179.4 (MANE Select); coding-DNA position 4681, G replaced by A.
Protein change: p.Ala1561Thr; replaces alanine 1561 with threonine.
Molecular consequence: missense variant.
Genome position (GRCh38, 1-based): chr1:208,038,454, C>T on the plus strand (G>A on the coding strand, the complement: PLXNA2 is on the minus strand). VCF-style: chr1-208038454-C-T. GRCh37 (hg19) VCF-style: chr1-208211799-C-T.
Other names: short protein forms A1561T.
Identifiers: ClinVar variation 2265310 (VCV002265310.3), dbSNP rs779769484, ClinGen allele CA344561424.

ClinVar aggregate classification (germline): Uncertain significance. Review status: criteria provided, multiple submitters, no conflicts (2 of 4 stars). 2 submissions from 2 submitters: Uncertain significance (2). Last evaluated 2025-03-05.

Conditions:
PLXNA2-related disorder. Also called: PLXNA2-related condition.

Allele frequency attached by ClinVar (database versions not stated): gnomAD 0.00001.
gnomAD v4.1: 10 of 1,613,950 alleles (0.00062%); highest among the groups gnomAD compares: South Asian, 0.0066%; no homozygotes.

Submissions (2):

PreventionGenetics, part of Exact Sciences
Classification: Uncertain significance for PLXNA2-related condition. Last evaluated: 2025-03-05. Review status: criteria provided, single submitter. Criteria: ACMG Guidelines, 2015. Collection method: clinical testing. Allele origin: germline.
Comment: The PLXNA2 c.4681G>A variant is predicted to result in the amino acid substitution p.Ala1561Thr. To our knowledge, this variant has not been reported in the literature. This variant is reported in 0.0065% of alleles in individuals of South Asian descent in gnomAD. At this time, the clinical significance of this variant is uncertain due to the absence of conclusive functional and genetic evidence.

Ambry Genetics
Classification: Uncertain significance. Last evaluated: 2021-12-06. Review status: criteria provided, single submitter. Criteria: Ambry Variant Classification Scheme 2023. Collection method: clinical testing. Allele origin: germline.